The following is an entry in ClinVar:

ClinVar aggregate classification (germline): Uncertain significance (1 of 4 stars; one submission).

Allele frequency attached by ClinVar (database versions not stated): gnomAD exomes below 0.00001 and 0.00001; ExAC 0.00001; TOPMed 0.00001.
gnomAD v4.1: 5 of 1,607,086 alleles (0.00031%); highest among the groups gnomAD compares: South Asian, 0.0011%; no homozygotes.

Submission:

Labcorp Genetics (formerly Invitae), Labcorp
Classification: Uncertain significance. Last evaluated: 2024-12-24. Review status: criteria provided, single submitter. Criteria: Invitae Variant Classification Sherloc (09022015). Collection method: clinical testing. Allele origin: germline.
Comment: This sequence change replaces arginine, which is basic and polar, with glutamine, which is neutral and polar, at codon 117 of the KCNH1 protein (p.Arg117Gln). This variant is present in population databases (rs758851821, gnomAD 0.0009%). This variant has not been reported in the literature in individuals affected with KCNH1-related conditions. ClinVar contains an entry for this variant (Variation ID: 1513224). Invitae Evidence Modeling of protein sequence and biophysical properties (such as structural, functional, and spatial information, amino acid conservation, physicochemical variation, residue mobility, and thermodynamic stability) has been performed for this missense variant. However, the output from this modeling did not meet the statistical confidence thresholds required to predict the impact of this variant on KCNH1 protein function. In summary, the available evidence is currently insufficient to determine the role of this variant in disease. Therefore, it has been classified as a Variant of Uncertain Significance.

NM_172362.3(KCNH1):c.350G>A (p.Arg117Gln)

Gene: KCNH1 (potassium voltage-gated channel subfamily H member 1; minus strand). Cytogenetic location: 1q32.2.
Variant type: single nucleotide variant.
Coding change: c.350G>A on transcript NM_172362.3 (MANE Select); coding-DNA position 350, G replaced by A.
Protein change: p.Arg117Gln; replaces arginine 117 with glutamine.
Molecular consequence: missense variant.
Genome position (GRCh38, 1-based): chr1:211,090,651, C>T on the plus strand (G>A on the coding strand, the complement: KCNH1 is on the minus strand). VCF-style: chr1-211090651-C-T. GRCh37 (hg19) VCF-style: chr1-211263993-C-T.
Other names: c.350G>A, p.Arg117Gln (NM_002238.4); short protein forms R117Q.
Identifiers: ClinVar variation 1513224 (VCV001513224.8), dbSNP rs758851821, ClinGen allele CA1380051.
Genomic context (GRCh38, chr1:211,090,651, plus strand): 5'-TTGAAAGCTGTTATGTCACTGAAAGTGCAAAGAAATAAAACCACTTTATCCTGTTCGTTT[C>T]GAATTGGAGCAATTTTCACAAAGAACCACACAGGTGTCCCTGAAAGGAATATCAAAAGGT-3'
Protein context (NP_758872.1, residues 107-127): VWFFVKIAPI[Arg117Gln]NEQDKVVLFL